The following is an entry in ClinVar:

NM_032043.3(BRIP1):c.229A>C (p.Ser77Arg)

Gene: BRIP1 (BRCA1 interacting DNA helicase 1; minus strand). Cytogenetic location: 17q23.2.
Variant type: single nucleotide variant.
Coding change: c.229A>C on transcript NM_032043.3 (MANE Select); coding-DNA position 229, A replaced by C.
Protein change: p.Ser77Arg; replaces serine 77 with arginine.
Molecular consequence: missense variant.
Genome position (GRCh38, 1-based): chr17:61,857,208, T>G on the plus strand (A>C on the coding strand, the complement: BRIP1 is on the minus strand). VCF-style: chr17-61857208-T-G. GRCh37 (hg19) VCF-style: chr17-59934569-T-G.
Other names: short protein forms S77R.
Identifiers: ClinVar variation 821049 (VCV000821049.4), dbSNP rs1603366423, ClinGen allele CA400485584.

ClinVar aggregate classification (germline): Uncertain significance (1 of 4 stars; one submission).

Conditions:
Hereditary cancer-predisposing syndrome. Also called: Neoplastic Syndromes, Hereditary; Tumor predisposition; Hereditary Cancer Syndrome; Hereditary neoplastic syndrome. Identifiers: Orphanet 140162, MedGen C0027672, MeSH D009386, MONDO:0015356.

Submission:

Ambry Genetics
Classification: Uncertain significance for Hereditary cancer-predisposing syndrome. Last evaluated: 2019-10-25. Review status: criteria provided, single submitter. Criteria: Ambry Variant Classification Scheme 2023. Collection method: clinical testing. Allele origin: germline.
Comment: The p.S77R variant (also known as c.229A>C), located in coding exon 3 of the BRIP1 gene, results from an A to C substitution at nucleotide position 229. The serine at codon 77 is replaced by arginine, an amino acid with dissimilar properties. This amino acid position is not well conserved in available vertebrate species. In addition, this alteration is predicted to be tolerated by in silico analysis. Since supporting evidence is limited at this time, the clinical significance of this alteration remains unclear.